The following is an entry in ClinVar:

NM_001846.4(COL4A2):c.861+3A>G

Gene: COL4A2 (collagen type IV alpha 2 chain; plus strand). Cytogenetic location: 13q34.
Variant type: single nucleotide variant.
Coding change: c.861+3A>G on transcript NM_001846.4 (MANE Select); 3 bases into the intron after coding-DNA position 861, A replaced by G.
Molecular consequence: intron variant.
Genome position (GRCh38, 1-based): chr13:110,438,040, A>G. VCF-style: chr13-110438040-A-G. GRCh37 (hg19) VCF-style: chr13-111090387-A-G.
Identifiers: ClinVar variation 3063650 (VCV003063650.1), dbSNP rs2502073280, ClinGen allele CA2623685252.
Genomic context (GRCh38, chr13:110,438,040, plus strand): 5'-TTATTTTTCATATTCTTCACAGGGTGAAAAAGGCAGTGAGGGGGAACCAGGAATAAGAGT[A>G]AGTCGAGTAATGAGCATGCCCCCTCCCCTGTGGCTCCTGGGCTGTCGGCGCTCTGCCAGG-3'

ClinVar aggregate classification (germline): Uncertain significance (1 of 4 stars; one submission).

Allele frequency attached by ClinVar (database versions not stated): gnomAD exomes below 0.00001.
gnomAD v4.1: 3 of 1,612,990 alleles (0.00019%); highest among the groups gnomAD compares: Non-Finnish European, 0.00025%; no homozygotes.

Submission:

Women's Health and Genetics/Laboratory Corporation of America, LabCorp
Classification: Uncertain significance. Last evaluated: 2024-01-23. Review status: criteria provided, single submitter. Criteria: LabCorp Variant Classification Summary - May 2015. Collection method: clinical testing. Allele origin: germline.
Comment: Variant summary: COL4A2 c.861+3A>G alters a conserved nucleotide located close to a canonical splice site and therefore could affect mRNA splicing, leading to a significantly altered protein sequence. Consensus agreement among computation tools predict no significant impact on normal splicing. However, these predictions have yet to be confirmed by functional studies. The variant was absent in 248842 control chromosomes. The available data on variant occurrences in the general population are insufficient to allow any conclusion about variant significance. To our knowledge, no occurrence of c.861+3A>G in individuals affected with Porencephaly 2 and no experimental evidence demonstrating its impact on protein function have been reported. No submitters have cited clinical-significance assessments for this variant to ClinVar. Based on the evidence outlined above, the variant was classified as uncertain significance.